The following is an entry in ClinVar:

ClinVar aggregate classification (germline): Uncertain significance (1 of 4 stars; one submission).

Conditions:
Inborn genetic diseases. Identifiers: MedGen C0950123, MeSH D030342.

Submission:

Ambry Genetics
Classification: Uncertain significance for Inborn genetic diseases. Last evaluated: 2022-10-24. Review status: criteria provided, single submitter. Criteria: Ambry Variant Classification Scheme 2023. Collection method: clinical testing. Allele origin: germline.
Comment: The p.Y1651C variant (also known as c.4952A>G), located in coding exon 28 of the ATR gene, results from an A to G substitution at nucleotide position 4952. The tyrosine at codon 1651 is replaced by cysteine, an amino acid with highly dissimilar properties. This amino acid position is conserved. In addition, this alteration is predicted to be deleterious by in silico analysis. Since supporting evidence is limited at this time, the clinical significance of this alteration remains unclear.

NM_001184.4(ATR):c.4952A>G (p.Tyr1651Cys)

Gene: ATR (ATR checkpoint kinase; minus strand). Cytogenetic location: 3q23.
Variant type: single nucleotide variant.
Coding change: c.4952A>G on transcript NM_001184.4 (MANE Select); coding-DNA position 4952, A replaced by G.
Protein change: p.Tyr1651Cys; replaces tyrosine 1651 with cysteine.
Molecular consequence: missense variant.
Genome position (GRCh38, 1-based): chr3:142,508,010, T>C on the plus strand (A>G on the coding strand, the complement: ATR is on the minus strand). VCF-style: chr3-142508010-T-C. GRCh37 (hg19) VCF-style: chr3-142226852-T-C.
Other names: c.4760A>G, p.Tyr1587Cys (NM_001354579.2); short protein forms Y1587C, Y1651C.
Identifiers: ClinVar variation 1744338 (VCV001744338.2), dbSNP rs2473200179, ClinGen allele CA354820630.